The following is an entry in ClinVar:

ClinVar aggregate classification (germline): Uncertain significance. Review status: criteria provided, multiple submitters, no conflicts (2 of 4 stars). 2 submissions from 2 submitters: Uncertain significance (2). Last evaluated 2024-03-14.

Conditions:
Cardiovascular phenotype. Identifiers: MedGen CN230736.
Hereditary cancer-predisposing syndrome. Also called: Neoplastic Syndromes, Hereditary; Hereditary neoplastic syndrome; Tumor predisposition; Hereditary Cancer Syndrome. Identifiers: Orphanet 140162, MedGen C0027672, MeSH D009386, MONDO:0015356.

Allele frequency attached by ClinVar (database versions not stated): gnomAD exomes below 0.00001.
gnomAD v4.1: 2 of 1,611,718 alleles (0.00012%); highest among the groups gnomAD compares: African/African-American, 0.0013%; no homozygotes.

Submissions (2):

Labcorp Genetics (formerly Invitae), Labcorp
Classification: Uncertain significance. Last evaluated: 2024-03-14. Review status: criteria provided, single submitter. Criteria: Invitae Variant Classification Sherloc (09022015). Collection method: clinical testing. Allele origin: germline.
Comment: This sequence change replaces leucine, which is neutral and non-polar, with valine, which is neutral and non-polar, at codon 591 of the LZTR1 protein (p.Leu591Val). This variant is not present in population databases (gnomAD no frequency). This variant has not been reported in the literature in individuals affected with LZTR1-related conditions. Advanced modeling of protein sequence and biophysical properties (such as structural, functional, and spatial information, amino acid conservation, physicochemical variation, residue mobility, and thermodynamic stability) performed at Invitae indicates that this missense variant is not expected to disrupt LZTR1 protein function with a negative predictive value of 80%. Algorithms developed to predict the effect of sequence changes on RNA splicing suggest that this variant may disrupt the consensus splice site. In summary, the available evidence is currently insufficient to determine the role of this variant in disease. Therefore, it has been classified as a Variant of Uncertain Significance.

Ambry Genetics
Classification: Uncertain significance for Cardiovascular phenotype; Hereditary cancer-predisposing syndrome. Last evaluated: 2023-05-18. Review status: criteria provided, single submitter. Criteria: Ambry Variant Classification Scheme 2023. Collection method: clinical testing. Allele origin: germline.
Comment: The c.1771C>G variant (also known as p.L591V), located in coding exon 15 of the LZTR1 gene, results from a C to G substitution at nucleotide position 1771. The leucine at codon 591 is replaced by valine, an amino acid with highly similar properties. This nucleotide position is highly conserved in available vertebrate species. In silico splice site analysis predicts that this alteration will weaken the native splice donor site and will result in the creation or strengthening of a novel splice donor site. RNA studies have demonstrated that this alteration results in a transcript predicted to lead to a protein with an in-frame deletion of five amino acids; however, the exact functional impact of the deleted amino acids is unknown at this time (Ambry internal data). Since supporting evidence is limited at this time, the clinical significance of this alteration remains unclear.

NM_006767.4(LZTR1):c.1771C>G (p.Leu591Val)

Gene: LZTR1 (leucine zipper like post translational regulator 1; plus strand). Cytogenetic location: 22q11.21.
Variant type: single nucleotide variant.
Coding change: c.1771C>G on transcript NM_006767.4 (MANE Select); coding-DNA position 1771, C replaced by G.
Protein change: p.Leu591Val; replaces leucine 591 with valine.
Molecular consequence: missense variant.
Genome position (GRCh38, 1-based): chr22:20,994,713, C>G. VCF-style: chr22-20994713-C-G. GRCh37 (hg19) VCF-style: chr22-21349002-C-G.
Other names: c.1771C>G (NM_006767.3); short protein forms L591V.
Identifiers: ClinVar variation 2898773 (VCV002898773.4), dbSNP rs2518622038, ClinGen allele CA410778305.
Genomic context (GRCh38, chr22:20,994,713, plus strand): 5'-GAGGCCTCCGTGGACCTGCAGAACGTGCTGGTTGTGTGCGAGAGTGCCGCCCGGCTGCAG[C>G]TGAGCCAACTCAAGGTGTGGGGTGGGGTCAGCGCAATCAGGGTTGGGTGGGGTGTGCTCA-3'
Protein context (NP_006758.2, residues 581-601): VVCESAARLQ[Leu591Val]SQLKEHCLNF